The following is an entry in ClinVar:

ClinVar aggregate classification (germline): Uncertain significance (1 of 4 stars; one submission).

Allele frequency attached by ClinVar (database versions not stated): ExAC 0.00002; gnomAD exomes 0.00002 and 0.00003; TOPMed 0.00002; gnomAD 0.00004 and 0.00007.

Submission:

Labcorp Genetics (formerly Invitae), Labcorp
Classification: Uncertain significance. Last evaluated: 2022-07-14. Review status: criteria provided, single submitter. Criteria: Invitae Variant Classification Sherloc (09022015). Collection method: clinical testing. Allele origin: germline.
Comment: This sequence change replaces histidine, which is basic and polar, with tyrosine, which is neutral and polar, at codon 55 of the CARMIL2 protein (p.His55Tyr). This variant is present in population databases (rs778631185, gnomAD 0.004%). This variant has not been reported in the literature in individuals affected with CARMIL2-related conditions. ClinVar contains an entry for this variant (Variation ID: 1462101). Algorithms developed to predict the effect of missense changes on protein structure and function (SIFT, PolyPhen-2, Align-GVGD) all suggest that this variant is likely to be tolerated. In summary, the available evidence is currently insufficient to determine the role of this variant in disease. Therefore, it has been classified as a Variant of Uncertain Significance.

NM_001013838.3(CARMIL2):c.163C>T (p.His55Tyr)

Gene: CARMIL2 (capping protein regulator and myosin 1 linker 2; plus strand). Cytogenetic location: 16q22.1.
Variant type: single nucleotide variant.
Coding change: c.163C>T on transcript NM_001013838.3 (MANE Select); coding-DNA position 163, C replaced by T.
Protein change: p.His55Tyr; replaces histidine 55 with tyrosine.
Molecular consequence: missense variant.
Genome position (GRCh38, 1-based): chr16:67,645,754, C>T. VCF-style: chr16-67645754-C-T. GRCh37 (hg19) VCF-style: chr16-67679657-C-T.
Other names: c.163C>T, p.His55Tyr (NM_001317026.3); short protein forms H55Y.
Identifiers: ClinVar variation 1462101 (VCV001462101.5), dbSNP rs778631185, ClinGen allele CA8112950.
Genomic context (GRCh38, chr16:67,645,754, plus strand): 5'-TGCCCAGGATATCAGACTGTCTTTCCCCAGGCACTGCTACGATGGAGAGCCTACCTGCTG[C>T]ACACCACCTGCCTCCCGCTGAGGGTGAGTCCCAGGGCCTGGCCACACCCCCGCCCGCCAG-3'
Protein context (NP_001013860.1, residues 45-65): ALLRWRAYLL[His55Tyr]TTCLPLRVDC